The following is an entry in ClinVar:

NM_005629.4(SLC6A8):c.1381A>G (p.Met461Val)

Gene: SLC6A8 (solute carrier family 6 member 8; plus strand). Cytogenetic location: Xq28.
Variant type: single nucleotide variant.
Coding change: c.1381A>G on transcript NM_005629.4 (MANE Select); coding-DNA position 1381, A replaced by G.
Protein change: p.Met461Val; replaces methionine 461 with valine.
Molecular consequence: missense variant.
Genome position (GRCh38, 1-based): chrX:153,694,256, A>G. VCF-style: chrX-153694256-A-G. GRCh37 (hg19) VCF-style: chrX-152959711-A-G.
Other names: NM_001142805.2:c.1351A>G; c.1351A>G, p.Met451Val (NM_001142805.2); c.1036A>G, p.Met346Val (NM_001142806.1); short protein forms M346V, M451V, M461V.
Identifiers: ClinVar variation 3066437 (VCV003066437.1), dbSNP rs2522166757, ClinGen allele CA415087081.
Genomic context (GRCh38, chrX:153,694,256, plus strand): 5'-TTCCAAAGGGAGATCTCTGTGGCCCTCTGTTGTGCCCTCTGCTTTGTCATCGATCTCTCC[A>G]TGGTGACTGATGTGAGTGGGGTGGGGGGTCTGCCTGTGACCTCTGGTGGCCGTCTGCCAT-3'
Protein context (NP_005620.1, residues 451-471): CALCFVIDLS[Met461Val]VTDGGMYVFQ

ClinVar aggregate classification (germline): Uncertain significance (3 of 4 stars; one submission).

Conditions:
Creatine transporter deficiency (CCDS1). Also called: Mental retardation , X-linked with seizures, short stature and midface hypoplasia; Mental retardation , X-linked, with creatine transport deficiency; X-linked creatine transporter deficiency; X-linked creatine deficiency syndrome; SLC6A8-Related Creatine Transporter Deficiency; CREATINE TRANSPORTER DEFECT. Identifiers: Orphanet 52503, MedGen C1845862, MONDO:0010305, OMIM 300352.

Submission:

ClinGen Cerebral Creatine Deficiency Syndromes Variant Curation Expert Panel, ClinGen
Classification: Uncertain significance for Creatine transporter deficiency. Last evaluated: 2024-03-28. Review status: reviewed by expert panel. Criteria: ClinGen_CCDS_ACMG_Specifications_SLC6A8_v1.1. Collection method: curation. Allele origin: germline. Inheritance: X-linked inheritance.
Comment: The NM_005629.4:c.1381A>G variant in SLC6A8 is a missense variant that is predicted to lead to the substitution of a methionine for a valine at amino acid position 461 (p.Met461Val). This variant has not been reported in the published literature in individuals with creatine transporter deficiency. This variant was reported to result in reduced (<10% of wild-type) creatine transport activity in SLC6A8 deficient fibroblasts (PMID: 22281021) (PS3_Supporting). The variant is absent in gnomAD v2.1.1. (PM2_Supporting). The computational predictor REVEL gives a score of 0.713 which is neither above the threshold of 0.75 for PP3 nor below the threshold of 0.2 (BP4), such that neither PP3 nor BP4 applies. In summary, this variant meets criteria to be classified as a variant of uncertain significance for creatine transporter deficiency. SLC6A8-specific criteria applied, as specified by the ClinGen CCDS VCEP (Specifications Version 1.1.0): PS3_Supporting, PM2_Supporting. (Classification approved by the ClinGen Cerebral Creatine Deficiency Syndromes Variant Curation Expert Panel on March 28, 2024)